The following is an entry in ClinVar:

NM_022489.4(INF2):c.1503C>T (p.Pro501=)

Gene: INF2 (inverted formin 2; plus strand). Cytogenetic location: 14q32.33.
Variant type: single nucleotide variant.
Coding change: c.1503C>T on transcript NM_022489.4 (MANE Select); coding-DNA position 1503, C replaced by T.
Protein change: p.Pro501=; no amino-acid change (proline 501 retained).
Molecular consequence: synonymous variant.
Genome position (GRCh38, 1-based): chr14:104,707,770, C>T. VCF-style: chr14-104707770-C-T. GRCh37 (hg19) VCF-style: chr14-105174107-C-T.
Other names: c.1503C>T, p.Pro501= (NM_001031714.4).
Identifiers: ClinVar variation 380889 (VCV000380889.14), dbSNP rs1057520913, ClinGen allele CA16606516.

ClinVar aggregate classification (germline): Likely benign. Review status: criteria provided, multiple submitters, no conflicts (2 of 4 stars). 6 submissions from 6 submitters: Likely benign (6). Last evaluated 2026-01-22.

Conditions:
INF2-related disorder. Also called: INF2-related condition.
Inborn genetic diseases. Identifiers: MedGen C0950123, MeSH D030342.
Charcot-Marie-Tooth disease dominant intermediate E. Also called: CHARCOT-MARIE-TOOTH NEUROPATHY WITH FOCAL SEGMENTAL GLOMERULONEPHRITIS. Identifiers: Orphanet 93114, MedGen C4302667, MONDO:0013758, OMIM 614455.
Focal segmental glomerulosclerosis 5 (FSGS5). Identifiers: Orphanet 656, MedGen C2750475, MONDO:0013191, OMIM 613237.

Allele frequency attached by ClinVar (database versions not stated): gnomAD 0.00001; TOPMed 0.00002.
gnomAD v4.1: 59 of 1,355,404 alleles (0.0044%); highest among the groups gnomAD compares: Non-Finnish European, 0.006%; no homozygotes.

Submissions (6):

PreventionGenetics, part of Exact Sciences
Classification: Likely benign for INF2-related condition. Last evaluated: 2026-01-22. Review status: criteria provided, single submitter. Criteria: ACMG Guidelines, 2015. Collection method: clinical testing. Allele origin: germline.
Comment: This variant is classified as likely benign based on ACMG/AMP sequence variant interpretation guidelines (Richards et al. 2015 PMID: 25741868, with internal and published modifications).

Labcorp Genetics (formerly Invitae), Labcorp
Classification: Likely benign for Charcot-Marie-Tooth disease dominant intermediate E; Focal segmental glomerulosclerosis 5. Last evaluated: 2024-12-22. Review status: criteria provided, single submitter. Criteria: Invitae Variant Classification Sherloc (09022015). Collection method: clinical testing. Allele origin: germline.

Fulgent Genetics
Classification: Likely benign for Focal segmental glomerulosclerosis 5; Charcot-Marie-Tooth disease dominant intermediate E. Last evaluated: 2022-04-28. Review status: criteria provided, single submitter. Criteria: ACMG Guidelines, 2015. Collection method: clinical testing. Allele origin: unknown.

Blueprint Genetics
Classification: Likely benign. Last evaluated: 2021-06-03. Review status: criteria provided, single submitter. Criteria: ACMG Guidelines, 2015. Collection method: clinical testing. Allele origin: germline.

Ambry Genetics
Classification: Likely benign for Inborn genetic diseases. Last evaluated: 2019-07-11. Review status: criteria provided, single submitter. Criteria: Ambry Variant Classification Scheme 2023. Collection method: clinical testing. Allele origin: germline.

GeneDx
Classification: Likely benign. Last evaluated: 2016-05-04. Review status: criteria provided, single submitter. Criteria: GeneDx Variant Classification (06012015). Collection method: clinical testing. Allele origin: germline. Affected: yes.
Comment: This variant is considered likely benign or benign based on one or more of the following criteria: it is a conservative change, it occurs at a poorly conserved position in the protein, it is predicted to be benign by multiple in silico algorithms, and/or has population frequency not consistent with disease.